The following is an entry in ClinVar:

NM_005228.5(EGFR):c.3271+29C>T

Gene: EGFR (epidermal growth factor receptor; plus strand). Cytogenetic location: 7p11.2.
Variant type: single nucleotide variant.
Coding change: c.3271+29C>T on transcript NM_005228.5 (MANE Select); 29 bases into the intron after coding-DNA position 3271, C replaced by T.
Molecular consequence: intron variant. On other transcripts: synonymous variant (2).
Genome position (GRCh38, 1-based): chr7:55,202,654, C>T. VCF-style: chr7-55202654-C-T. GRCh37 (hg19) VCF-style: chr7-55270347-C-T.
Other names: c.3165C>T, p.Cys1055= (NM_001346897.2); c.3300C>T, p.Cys1100= (NM_001346898.2); c.3136+29C>T (NM_001346899.2); c.2470+29C>T (NM_001346941.2); c.3112+29C>T (NM_001346900.2).
Identifiers: ClinVar variation 3356849 (VCV003356849.1).
Genomic context (GRCh38, chr7:55,202,654, plus strand): 5'-CAGCATAGACGACACCTTCCTCCCAGTGCCTGGTGAGTGGCTTGTCTGGAAACAGTCCTG[C>T]TCCTCAACCTCCTCGACCCACTCAGCAGCAGCCAGTCTCCAGTGTCCAAGCCAGGTGCTC-3'

ClinVar aggregate classification (germline): Likely benign (0 of 4 stars; one submission).

Conditions:
EGFR-related disorder. Also called: EGFR-related condition.

gnomAD v4.1: 93 of 1,573,904 alleles (0.0059%); highest among the groups gnomAD compares: Admixed American, 0.018%; no homozygotes.

Submission:

PreventionGenetics, part of Exact Sciences
Classification: Likely benign for EGFR-related condition. Last evaluated: 2024-03-20. Review status: no assertion criteria provided. Collection method: clinical testing. Allele origin: germline.
Comment: This variant is classified as likely benign based on ACMG/AMP sequence variant interpretation guidelines (Richards et al. 2015 PMID: 25741868, with internal and published modifications).